The following is an entry in ClinVar:

NM_003280.3(TNNC1):c.201C>T (p.Asp67=)

Gene: TNNC1 (troponin C1, slow skeletal and cardiac type; minus strand). Cytogenetic location: 3p21.1.
Variant type: single nucleotide variant.
Coding change: c.201C>T on transcript NM_003280.3 (MANE Select); coding-DNA position 201, C replaced by T.
Protein change: p.Asp67=; no amino-acid change (aspartic acid 67 retained).
Molecular consequence: synonymous variant.
Genome position (GRCh38, 1-based): chr3:52,452,107, G>A on the plus strand (C>T on the coding strand, the complement: TNNC1 is on the minus strand). VCF-style: chr3-52452107-G-A. GRCh37 (hg19) VCF-style: chr3-52486123-G-A.
Other names: p.Asp67=.
Identifiers: ClinVar variation 178145 (VCV000178145.34), dbSNP rs150881554, ClinGen allele CA181549.
Genomic context (GRCh38, chr3:52,452,107, plus strand): 5'-AGCATTCCAGCCCCCAGCCAGCTGGGGTTCTTCTGGAGCCTGGGGAGGAGGGGGCTCACC[G>A]TCCTCGTCCACCTCATCGATCATCTCCTGCAGCTCCTCAGGGGTGGGGTTCTGGCCCAGC-3'
Protein context (NP_003271.1, residues 57-77): LQEMIDEVDE[Asp67=]GSGTVDFDEF

ClinVar aggregate classification (germline): Benign/Likely benign. Review status: criteria provided, multiple submitters, no conflicts (2 of 4 stars). 13 submissions from 13 submitters: Benign (5); Likely benign (4). 4 of the submissions do not count toward it. Last evaluated 2026-01-27.

Conditions:
TNNC1-related disorder. Also called: TNNC1-related condition.
Cardiovascular phenotype. Identifiers: MedGen CN230736.
Dilated cardiomyopathy 1Z (CMD1Z). Identifiers: Orphanet 154, MedGen C2678475, MONDO:0012745, OMIM 611879.
Hypertrophic cardiomyopathy 13. Also called: TNNC1-Related Familial Hypertrophic Cardiomyopathy. Identifiers: MedGen C2750472, MONDO:0013195, OMIM 613243.
Cardiomyopathy (CMYO). Also called: Cardiomyopathies. Identifiers: Orphanet 167848, MedGen C0878544, MONDO:0004994, HP:0001638. Inheritance: Various modes of inheritance.

Allele frequency attached by ClinVar (database versions not stated): gnomAD 0.00074 and 0.00065; TOPMed 0.00080; gnomAD exomes 0.00006 and 0.00017; 1000 Genomes Project 30x 0.00016; 1000 Genomes Project 0.00020; ExAC 0.00020; ESP Exome Variant Server 0.00069.
gnomAD v4.1: 191 of 1,613,830 alleles (0.012%); highest among the groups gnomAD compares: African/African-American, 0.18%; no homozygotes.

Submissions (13):

Labcorp Genetics (formerly Invitae), Labcorp
Classification: Benign for Hypertrophic cardiomyopathy 13; Dilated cardiomyopathy 1Z. Last evaluated: 2026-01-27. Review status: criteria provided, single submitter. Criteria: Invitae Variant Classification Sherloc (09022015). Collection method: clinical testing. Allele origin: germline.

Molecular Diagnostic Laboratory for Inherited Cardiovascular Disease, Montreal Heart Institute
Classification: Benign. Last evaluated: 2025-04-09. Review status: criteria provided, single submitter. Criteria: ACMG Guidelines, 2015. Collection method: clinical testing. Allele origin: germline. Affected: no.
Comment: BS1;BP6

Mayo Clinic Laboratories, Mayo Clinic
Classification: Likely benign. Last evaluated: 2025-04-08. Review status: criteria provided, single submitter. Criteria: ACMG Guidelines, 2015. Collection method: clinical testing. Allele origin: germline. Observed: 3 variant alleles.
Comment: BP4, BP7

Blueprint Genetics
Classification: Likely benign. Last evaluated: 2024-10-18. Review status: criteria provided, single submitter. Criteria: ACMG Guidelines, 2015. Collection method: clinical testing. Allele origin: germline.

Women's Health and Genetics/Laboratory Corporation of America, LabCorp
Classification: Benign. Last evaluated: 2018-04-09. Review status: criteria provided, single submitter. Criteria: LabCorp Variant Classification Summary - May 2015. Collection method: clinical testing. Allele origin: germline.
Comment: Variant summary: TNNC1 c.201C>T (p.Asp67Asp) alters a non-conserved nucleotide located close to a canonical splice site and therefore could affect mRNA splicing, leading to a significantly altered protein sequence. 5/5 computational tools predict no significant impact on normal splicing. However, these predictions have yet to be confirmed by functional studies. The variant allele was found at a frequency of 0.00026 in 276926 control chromosomes (gnomAD). The observed variant frequency is approximately 10.26 fold above the estimated maximal expected allele frequency for a pathogenic variant in TNNC1 causing Cardiomyopathy phenotype (2.5e-05), strongly suggesting that the variant is benign. To our knowledge, no occurrence of c.201C>T in individuals affected with Cardiomyopathy and no experimental evidence demonstrating its impact on protein function have been reported. One clinical diagnostic laboratory has submitted clinical-significance assessments for this variant to ClinVar after 2014 without evidence for independent evaluation and classified the variant as benign. Based on the evidence outlined above, the variant was classified as benign.

CHEO Genetics Diagnostic Laboratory, Children's Hospital of Eastern Ontario
Classification: Benign for Cardiomyopathy. Last evaluated: 2018-02-16. Review status: criteria provided, single submitter. Criteria: ACMG Guidelines, 2015. Collection method: clinical testing. Allele origin: germline.

Ambry Genetics
Classification: Likely benign for Cardiovascular phenotype. Last evaluated: 2017-12-22. Review status: criteria provided, single submitter. Criteria: Ambry Variant Classification Scheme 2023. Collection method: clinical testing. Allele origin: germline.

GeneDx
Classification: Benign. Last evaluated: 2015-03-03. Review status: criteria provided, single submitter. Criteria: GeneDx Variant Classification Process June 2021. Collection method: clinical testing. Allele origin: germline. Affected: yes.

Laboratory for Molecular Medicine, Mass General Brigham Personalized Medicine
Classification: Likely benign. Last evaluated: 2014-08-07. Review status: criteria provided, single submitter. Criteria: LMM Criteria. Collection method: clinical testing. Allele origin: germline. Observed: 1 variant allele.
Comment: Asp67Asp in exon 3 of TNNC1: This variant is not expected to have clinical signi ficance because it does not alter an amino acid residue and is not located withi n the splice consensus sequence. It has been identified in 0.2% (8/4406) of Afri can American chromosomes by the NHLBI Exome Sequencing Project (dbSNP rs150881554).

PreventionGenetics, part of Exact Sciences
Classification: Likely benign for TNNC1-related condition. Last evaluated: 2020-04-27. Review status: no assertion criteria provided. Collection method: clinical testing. Allele origin: germline. Not counted in ClinVar's aggregate classification.
Comment: This variant is classified as likely benign based on ACMG/AMP sequence variant interpretation guidelines (Richards et al. 2015 PMID: 25741868, with internal and published modifications).

Clinical Genetics DNA and cytogenetics Diagnostics Lab, Erasmus MC, Erasmus Medical Center
Classification: Likely benign. Review status: no assertion criteria provided. Collection method: clinical testing. Allele origin: germline. Affected: yes. Study: VKGL Data-share Consensus. Not counted in ClinVar's aggregate classification.

Clinical Genetics, Academic Medical Center
Classification: Benign. Review status: no assertion criteria provided. Collection method: clinical testing. Allele origin: germline. Affected: yes. Study: VKGL Data-share Consensus. Not counted in ClinVar's aggregate classification.

Diagnostic Laboratory, Department of Genetics, University Medical Center Groningen
Classification: Likely benign. Review status: no assertion criteria provided. Collection method: clinical testing. Allele origin: germline. Affected: yes. Study: VKGL Data-share Consensus. Not counted in ClinVar's aggregate classification.